The following is an entry in ClinVar:

ClinVar aggregate classification (germline): Uncertain significance (1 of 4 stars; one submission).

Conditions:
Hyperphosphatasia with impaired intellectual development syndrome 6. Also called: Hyperphosphatasia with intellectual disability syndrome 6; GLYCOSYLPHOSPHATIDYLINOSITOL BIOSYNTHESIS DEFECT 12. Identifiers: Orphanet 247262, MedGen C4225201, MONDO:0014780, OMIM 616809.

Allele frequency attached by ClinVar (database versions not stated): gnomAD exomes below 0.00001.
gnomAD v4.1: 5 of 1,613,938 alleles (0.00031%); highest among the groups gnomAD compares: Non-Finnish European, 0.00034%; no homozygotes.

Submission:

Baylor Genetics
Classification: Uncertain significance for Hyperphosphatasia with impaired intellectual development syndrome 6. Last evaluated: 2018-12-07. Review status: criteria provided, single submitter. Criteria: ACMG Guidelines, 2015. Collection method: clinical testing. Allele origin: maternal. Affected: yes.
Comment: This variant was determined to be of uncertain significance according to ACMG Guidelines, 2015 [PMID:25741868].

NM_001042616.3(PIGY):c.101G>A (p.Cys34Tyr)

Genes: PIGY (phosphatidylinositol glycan anchor biosynthesis class Y; minus strand), PYURF (PIGY upstream open reading frame; minus strand). Cytogenetic location: 4q22.1.
Variant type: single nucleotide variant.
Coding change: c.101G>A on transcript NM_001042616.3 (MANE Select); coding-DNA position 101, G replaced by A.
Protein change: p.Cys34Tyr; replaces cysteine 34 with tyrosine.
Molecular consequence: missense variant. On other transcripts: 3 prime UTR variant (1).
Genome position (GRCh38, 1-based): chr4:88,521,689, C>T on the plus strand (G>A on the coding strand, the complement: PIGY is on the minus strand). VCF-style: chr4-88521689-C-T. GRCh37 (hg19) VCF-style: chr4-89442840-C-T.
Other names: c.*199G>A (NM_032906.5); short protein forms C34Y.
Identifiers: ClinVar variation 1033241 (VCV001033241.1), dbSNP rs1399588452, ClinGen allele CA357641382.